The following is an entry in ClinVar:

ClinVar aggregate classification (germline): Pathogenic (1 of 4 stars; one submission).

Conditions:
Intellectual developmental disorder, X-linked 93. Also called: MENTAL RETARDATION, X-LINKED, WITH MACROCEPHALY; Intellectual disability, X-linked 93. Identifiers: MedGen C1970841, MONDO:0010393, OMIM 300659.

Submission:

Clinical Genetics Laboratory, University Hospital Schleswig-Holstein
Classification: Pathogenic for Intellectual developmental disorder, X-linked 93. Last evaluated: 2025-02-20. Review status: criteria provided, single submitter. Criteria: ACMG Guidelines, 2015. Collection method: clinical testing. Allele origin: germline. Affected: yes. Observed: 1 hemizygote.
Comment: ACMG criteria applied: PM2, PVS1

NM_153252.5(BRWD3):c.411del (p.Asn136_Tyr137insTer)

Gene: BRWD3 (bromodomain and WD repeat domain containing 3; minus strand). Cytogenetic location: Xq21.1.
Variant type: Deletion.
Coding change: c.411del on transcript NM_153252.5 (MANE Select); coding-DNA position 411, one base deleted (T; older notation c.411delT).
Protein change: p.Asn136_Tyr137insTer.
Molecular consequence: nonsense.
Genome position (GRCh38, 1-based): chrX:80,791,873, A deleted on the plus strand (T on the coding strand, the reverse complement: BRWD3 is on the minus strand). VCF-style (leftmost placement, unchanged base first): chrX-80791872-CA-C. GRCh37 (hg19) VCF-style: chrX-80047371-CA-C.
Other names: c.411del, p.Asn136_Tyr137insTer (NM_001441339.1).
Identifiers: ClinVar variation 5042022 (VCV005042022.1).